The following is an entry in ClinVar:

NC_000006.12:g.(?_52053066)_(52054175_?)del

Gene: PKHD1 (PKHD1 ciliary IPT domain containing fibrocystin/polyductin; minus strand). Cytogenetic location: 6p12.2.
Variant type: Deletion.
Identifiers: ClinVar variation 831341 (VCV000831341.6).

ClinVar aggregate classification (germline): Pathogenic (1 of 4 stars; one submission).

Conditions:
Autosomal recessive polycystic kidney disease (ARPKD). Also called: AR polycystic kidney disease. Identifiers: Orphanet 731, Orphanet 8378, MedGen C0085548, MeSH D017044, MONDO:0009889.

Submission:

Labcorp Genetics (formerly Invitae), Labcorp
Classification: Pathogenic for Autosomal recessive polycystic kidney disease. Last evaluated: 2022-06-23. Review status: criteria provided, single submitter. Criteria: Invitae Variant Classification Sherloc (09022015). Collection method: clinical testing. Allele origin: germline.
Comment: This variant is a gross deletion of the genomic region encompassing exon(s) 20-21 of the PKHD1 gene. This deletion is out-of-frame, and is expected to create a premature termination codon and result in an absent or disrupted protein product. Loss-of-function variants in PKHD1 are known to be pathogenic (PMID: 19940839). A similar copy number variant has been observed in individual(s) with autosomal recessive polycystic kidney disease (PMID: 20575693). For these reasons, this variant has been classified as Pathogenic.

Literature cited by the submitters: PubMed 19940839; PubMed 20575693.